The following is an entry in ClinVar:

NM_001136035.4(TRMT1):c.1032G>C (p.Leu344=)

Gene: TRMT1 (tRNA methyltransferase 1; minus strand). Cytogenetic location: 19p13.13.
Variant type: single nucleotide variant.
Coding change: c.1032G>C on transcript NM_001136035.4 (MANE Select); coding-DNA position 1032, G replaced by C.
Protein change: p.Leu344=; no amino-acid change (leucine 344 retained).
Molecular consequence: synonymous variant. On other transcripts: intron variant (2).
Genome position (GRCh38, 1-based): chr19:13,109,989, C>G on the plus strand (G>C on the coding strand, the complement: TRMT1 is on the minus strand). VCF-style: chr19-13109989-C-G. GRCh37 (hg19) VCF-style: chr19-13220803-C-G.
Other names: c.924G>C, p.Leu308= (NM_001351761.2); c.249G>C, p.Leu83= (NM_001351762.2); c.1032G>C, p.Leu344= (NM_017722.5); c.1020-151G>C (NM_001351760.2, NM_001142554.3).
Identifiers: ClinVar variation 730625 (VCV000730625.10), dbSNP rs140145761, ClinGen allele CA9237803.

ClinVar aggregate classification (germline): Benign/Likely benign. Review status: criteria provided, multiple submitters, no conflicts (2 of 4 stars). 2 submissions from 2 submitters: Benign (1); Likely benign (1). Last evaluated 2026-05-01.

Allele frequency attached by ClinVar (database versions not stated): gnomAD exomes 0.00015 and 0.00037; ExAC 0.00044; ESP Exome Variant Server 0.00138; gnomAD 0.00152 and 0.00157; TOPMed 0.00161; 1000 Genomes Project 30x 0.00312; 1000 Genomes Project 0.00339.
gnomAD v4.1: 484 of 1,613,506 alleles (0.03%); highest among the groups gnomAD compares: African/African-American, 0.54%; 5 homozygotes.

Submissions (2):

CeGaT Center for Human Genetics Tuebingen
Classification: Likely benign. Last evaluated: 2026-05-01. Review status: criteria provided, single submitter. Criteria: CeGaT Center For Human Genetics Tuebingen Variant Classification Criteria Version 2. Collection method: clinical testing. Allele origin: germline. Affected: yes. Observed: 2 variant alleles.
Comment: TRMT1: BP4, BP7

Labcorp Genetics (formerly Invitae), Labcorp
Classification: Benign. Last evaluated: 2018-04-20. Review status: criteria provided, single submitter. Criteria: Invitae Variant Classification Sherloc (09022015). Collection method: clinical testing. Allele origin: germline.